The following is an entry in ClinVar:

ClinVar aggregate classification (germline): Likely benign (1 of 4 stars; one submission).

Allele frequency attached by ClinVar (database versions not stated): 1000 Genomes Project 30x 0.00312; 1000 Genomes Project 0.00359; TOPMed 0.00578; gnomAD 0.00582; ExAC 0.00622; ESP Exome Variant Server 0.00700; gnomAD exomes 0.00858.
gnomAD v4.1: 13,372 of 1,613,650 alleles (0.83%); highest among the groups gnomAD compares: Middle Eastern, 1.6%; 85 homozygotes.

Submissions (12):

CeGaT Center for Human Genetics Tuebingen
Classification: Likely benign. Last evaluated: 2024-02-01. Review status: criteria provided, single submitter. Criteria: CeGaT Center For Human Genetics Tuebingen Variant Classification Criteria Version 2. Collection method: clinical testing. Allele origin: germline. Affected: yes. Observed: 1 variant allele.
Comment: SDK1: BS2

Dr. Peter K. Rogan Lab, Western University
No classification provided (evidence only). Condition: Clear cell carcinoma of kidney. Review status: no classification provided. Collection method: in vitro. Allele origin: not applicable. Functional consequence: retained intron. Not counted in ClinVar's aggregate classification.

Dr. Peter K. Rogan Lab, Western University
No classification provided (evidence only). Condition: Clear cell carcinoma of kidney. Review status: no classification provided. Collection method: in vitro. Allele origin: not applicable. Functional consequence: retained intron. Not counted in ClinVar's aggregate classification.

Dr. Peter K. Rogan Lab, Western University
No classification provided (evidence only). Condition: Clear cell carcinoma of kidney. Review status: no classification provided. Collection method: in vitro. Allele origin: not applicable. Functional consequence: retained intron. Not counted in ClinVar's aggregate classification.

Dr. Peter K. Rogan Lab, Western University
No classification provided (evidence only). Condition: Lung cancer. Review status: no classification provided. Collection method: in vitro. Allele origin: not applicable. Functional consequence: retained intron. Not counted in ClinVar's aggregate classification.

Dr. Peter K. Rogan Lab, Western University
No classification provided (evidence only). Condition: Lung cancer. Review status: no classification provided. Collection method: in vitro. Allele origin: not applicable. Functional consequence: retained intron. Not counted in ClinVar's aggregate classification.

Dr. Peter K. Rogan Lab, Western University
No classification provided (evidence only). Condition: Colon adenocarcinoma. Review status: no classification provided. Collection method: in vitro. Allele origin: not applicable. Functional consequence: retained intron. Not counted in ClinVar's aggregate classification.

Dr. Peter K. Rogan Lab, Western University
No classification provided (evidence only). Condition: Uterine corpus endometrial carcinoma. Review status: no classification provided. Collection method: in vitro. Allele origin: not applicable. Functional consequence: retained intron. Not counted in ClinVar's aggregate classification.

Dr. Peter K. Rogan Lab, Western University
No classification provided (evidence only). Condition: Uterine corpus endometrial carcinoma. Review status: no classification provided. Collection method: in vitro. Allele origin: not applicable. Functional consequence: retained intron. Not counted in ClinVar's aggregate classification.

Dr. Peter K. Rogan Lab, Western University
No classification provided (evidence only). Condition: Cervical cancer. Review status: no classification provided. Collection method: in vitro. Allele origin: not applicable. Functional consequence: retained intron. Not counted in ClinVar's aggregate classification.

Dr. Peter K. Rogan Lab, Western University
No classification provided (evidence only). Condition: Hepatocellular carcinoma. Review status: no classification provided. Collection method: in vitro. Allele origin: not applicable. Functional consequence: retained intron. Not counted in ClinVar's aggregate classification.

Dr. Peter K. Rogan Lab, Western University
No classification provided (evidence only). Condition: Ovarian serous cystadenocarcinoma. Review status: no classification provided. Collection method: in vitro. Allele origin: not applicable. Functional consequence: retained intron. Not counted in ClinVar's aggregate classification.

NM_152744.4(SDK1):c.1091C>T (p.Ala364Val)

Gene: SDK1 (sidekick cell adhesion molecule 1; plus strand). Cytogenetic location: 7p22.2.
Variant type: single nucleotide variant.
Coding change: c.1091C>T on transcript NM_152744.4 (MANE Select); coding-DNA position 1091, C replaced by T.
Protein change: p.Ala364Val; replaces alanine 364 with valine.
Molecular consequence: missense variant.
Genome position (GRCh38, 1-based): chr7:3,951,861, C>T. VCF-style: chr7-3951861-C-T. GRCh37 (hg19) VCF-style: chr7-3991493-C-T.
Other names: NC_000007.13:g.3991493C>T; short protein forms A364V.
Identifiers: ClinVar variation 3024778 (VCV003024778.23), dbSNP rs76259242, ClinGen allele CA4133499.